The following is an entry in ClinVar:

NM_001353345.2(SETD1B):c.3640G>A (p.Glu1214Lys)

Gene: SETD1B (SET domain containing 1B, histone lysine methyltransferase; plus strand). Cytogenetic location: 12q24.31.
Variant type: single nucleotide variant.
Coding change: c.3640G>A on transcript NM_001353345.2 (MANE Select); coding-DNA position 3640, G replaced by A.
Protein change: p.Glu1214Lys; replaces glutamic acid 1214 with lysine.
Molecular consequence: missense variant.
Genome position (GRCh38, 1-based): chr12:121,819,625, G>A. VCF-style: chr12-121819625-G-A. GRCh37 (hg19) VCF-style: chr12-122257531-G-A.
Other names: short protein forms E1214K.
Identifiers: ClinVar variation 4885763 (VCV004885763.2).
Genomic context (GRCh38, chr12:121,819,625, plus strand): 5'-GAGATGGTGGCCGAGGAAAGCATGGCTTCTGCAGGCCCTGAGGACTTTGAGCAGGACGGG[G>A]AGGAAGCGGCTCTGGCCCCGGGGGCACCTGCAGTGGACTCGTTGGGCATGGAAGAGGAGG-3'
Protein context (NP_001340274.1, residues 1204-1224): AGPEDFEQDG[Glu1214Lys]EAALAPGAPA

ClinVar aggregate classification (germline): Uncertain significance (1 of 4 stars; one submission).

gnomAD v4.1: 2 of 1,551,882 alleles (0.00013%); highest among the groups gnomAD compares: Admixed American, 0.0039%; no homozygotes.

Submission:

Dasa
Classification: Uncertain significance. Last evaluated: 2026-02-05. Review status: criteria provided, single submitter. Criteria: DASA Assertion Criteria. Collection method: clinical testing. Allele origin: germline.
Comment: NM_001353345.2(SETD1B):c.3640G>A (p.Glu1214Lys) is a missense variant that results in the substitution of glutamic acid with lysine. This variant is rare in population databases. Computational prediction algorithms are consistent with a benign effect. The currently available literature and clinical evidence are not sufficient to establish a definitive association between this variant and the reported condition. Therefore, this variant is classified as a variant of uncertain significance.